The following is an entry in ClinVar:

ClinVar aggregate classification (germline): Conflicting classifications of pathogenicity. Review status: criteria provided, conflicting classifications (1 of 4 stars). 16 submissions from 15 submitters: Uncertain significance (2); Benign (4); Likely benign (7). 3 of the submissions do not count toward it. Last evaluated 2026-07-01.

Conditions:
Inborn genetic diseases. Identifiers: MedGen C0950123, MeSH D030342.
USH2A-related disorder. Also called: USH2A-related disorders; USH2A-related condition. Identifiers: MedGen CN239332.
Retinal dystrophy. Also called: Inherited retinal dystrophy. Identifiers: Orphanet 71862, MedGen C0854723, MeSH D058499, MONDO:0019118, HP:0000556.
Retinitis pigmentosa (RP). Identifiers: Orphanet 791, MedGen C0035334, MeSH D012174, MONDO:0019200, OMIM 268000. Inheritance: Autosomal dominant, autosomal recessive and X linked inheritance.
Usher syndrome type 2A. Also called: RETINAL DISEASE IN USHER SYNDROME TYPE IIA, MODIFIER OF; USHER SYNDROME, TYPE IIA. Identifiers: Orphanet 231178, Orphanet 886, MedGen C1848634, MONDO:0010169, OMIM 276901.

Allele frequency attached by ClinVar (database versions not stated): gnomAD exomes 0.00124 and 0.00132; 1000 Genomes Project 0.00140; ExAC 0.00149; ESP Exome Variant Server 0.00085; 1000 Genomes Project 30x 0.00109; gnomAD 0.00048 and 0.00066; TOPMed 0.00053.
gnomAD v4.1: 1,902 of 1,614,074 alleles (0.12%); highest among the groups gnomAD compares: South Asian, 0.61%; 8 homozygotes.

Submissions (16):

CeGaT Center for Human Genetics Tuebingen
Classification: Likely benign. Last evaluated: 2026-07-01. Review status: criteria provided, single submitter. Criteria: CeGaT Center For Human Genetics Tuebingen Variant Classification Criteria Version 2. Collection method: clinical testing. Allele origin: germline. Affected: yes. Observed: 5 variant alleles.
Comment: USH2A: BP4, BP7

PreventionGenetics, part of Exact Sciences
Classification: Likely benign for USH2A-related condition. Last evaluated: 2026-04-09. Review status: criteria provided, single submitter. Criteria: ACMG Guidelines, 2015. Collection method: clinical testing. Allele origin: germline.
Comment: This variant is classified as likely benign based on ACMG/AMP sequence variant interpretation guidelines (Richards et al. 2015 PMID: 25741868, with internal and published modifications).

Labcorp Genetics (formerly Invitae), Labcorp
Classification: Benign. Last evaluated: 2026-01-31. Review status: criteria provided, single submitter. Criteria: Invitae Variant Classification Sherloc (09022015). Collection method: clinical testing. Allele origin: germline.

Blueprint Genetics
Classification: Likely benign. Last evaluated: 2024-10-29. Review status: criteria provided, single submitter. Criteria: ACMG Guidelines, 2015. Collection method: clinical testing. Allele origin: germline.

Ambry Genetics
Classification: Likely benign for Inborn genetic diseases. Last evaluated: 2023-09-20. Review status: criteria provided, single submitter. Criteria: Ambry Variant Classification Scheme 2023. Collection method: clinical testing. Allele origin: germline.

Genome-Nilou Lab
Classification: Likely benign for Usher syndrome type 2A. Last evaluated: 2021-05-18. Review status: criteria provided, single submitter. Criteria: ACMG Guidelines, 2015. Collection method: clinical testing. Allele origin: germline. Affected: no.

Mendelics
Classification: Benign for Usher syndrome type 2A. Last evaluated: 2019-05-28. Review status: criteria provided, single submitter. Criteria: Mendelics Assertion Criteria 2017. Collection method: clinical testing. Allele origin: unknown.

GeneDx
Classification: Benign. Last evaluated: 2018-06-25. Review status: criteria provided, single submitter. Criteria: GeneDx Variant Classification Process June 2021. Collection method: clinical testing. Allele origin: germline. Affected: yes.
Comment: This variant is associated with the following publications: (PMID: 30245029, 16963483, 10729113)

Illumina Laboratory Services, Illumina
Classification: Uncertain significance for Usher syndrome type 2A. Last evaluated: 2017-04-28. Review status: criteria provided, single submitter. Criteria: ICSL Variant Classification Criteria 13 December 2019. Collection method: clinical testing. Allele origin: germline.
Comment: This variant was observed as part of a predisposition screen in an ostensibly healthy population. A literature search was performed for the gene, cDNA change, and amino acid change (where applicable). Publications were found based on this search. However, the evidence from the literature, in combination with allele frequency data from public databases where available, was not sufficient to rule this variant in or out of causing disease. Therefore, this variant is classified as a variant of unknown significance.

Illumina Laboratory Services, Illumina
Classification: Uncertain significance for Retinitis pigmentosa. Last evaluated: 2017-04-28. Review status: criteria provided, single submitter. Criteria: ICSL Variant Classification Criteria 13 December 2019. Collection method: clinical testing. Allele origin: germline.

Institute of Human Genetics, Univ. Regensburg, Univ. Regensburg
Classification: Likely benign for Retinal dystrophy. Last evaluated: 2017-01-01. Review status: criteria provided, single submitter. Criteria: ACMG Guidelines, 2015. Collection method: clinical testing. Allele origin: germline. Affected: yes.

Eurofins Ntd Llc (ga)
Classification: Likely benign. Last evaluated: 2016-10-27. Review status: criteria provided, single submitter. Criteria: EGL Classification Definitions 2015. Collection method: clinical testing. Allele origin: germline. Observed: 1 variant allele, 1 heterozygote.

Laboratory for Molecular Medicine, Mass General Brigham Personalized Medicine
Classification: Benign. Last evaluated: 2016-06-08. Review status: criteria provided, single submitter. Criteria: LMM Criteria. Collection method: clinical testing. Allele origin: germline. Observed: 7 variant alleles.
Comment: Gln684Gln in exon 12 of USH2A: This variant is not expected to have clinical sig nificance because it does not alter an amino acid residue, is not located within the splice consensus sequence, has been identified in 0.7% (109/16500) of South Asian chromosomes by the Exome Aggregation Consortium (ExAC; dbSNP rs111033248).

Natera, Inc.
Classification: Benign for Usher syndrome type 2A. Last evaluated: 2020-05-03. Review status: no assertion criteria provided. Collection method: clinical testing. Allele origin: germline. Not counted in ClinVar's aggregate classification.

Clinical Genetics DNA and cytogenetics Diagnostics Lab, Erasmus MC, Erasmus Medical Center
Classification: Uncertain significance. Review status: no assertion criteria provided. Collection method: clinical testing. Allele origin: germline. Affected: yes. Study: VKGL Data-share Consensus. Not counted in ClinVar's aggregate classification.

Clinical Genetics, Academic Medical Center
Classification: Uncertain significance. Review status: no assertion criteria provided. Collection method: clinical testing. Allele origin: germline. Affected: yes. Study: VKGL Data-share Consensus. Not counted in ClinVar's aggregate classification.

Literature cited by the submitters: PubMed 12786748 (cited by Illumina Laboratory Services, Illumina); PubMed 10729113 (cited by 3 submitters); PubMed 16963483 (cited by Illumina Laboratory Services, Illumina); PubMed 25558175 (cited by Illumina Laboratory Services, Illumina); PubMed 22135276 (cited by Illumina Laboratory Services, Illumina and Laboratory for Molecular Medicine, Mass General Brigham Personalized Medicine); PubMed 30245029 (cited by Institute of Human Genetics, Univ. Regensburg, Univ. Regensburg); PubMed 31429209 (cited by Institute of Human Genetics, Univ. Regensburg, Univ. Regensburg); PubMed 34426522 (cited by Institute of Human Genetics, Univ. Regensburg, Univ. Regensburg).

NM_206933.4(USH2A):c.2052A>G (p.Gln684=)

Gene: USH2A (usherin; minus strand). Cytogenetic location: 1q41.
Variant type: single nucleotide variant.
Coding change: c.2052A>G on transcript NM_206933.4 (MANE Select); coding-DNA position 2052, A replaced by G.
Protein change: p.Gln684=; no amino-acid change (glutamine 684 retained).
Molecular consequence: synonymous variant.
Genome position (GRCh38, 1-based): chr1:216,251,018, T>C on the plus strand (A>G on the coding strand, the complement: USH2A is on the minus strand). VCF-style: chr1-216251018-T-C. GRCh37 (hg19) VCF-style: chr1-216424360-T-C.
Other names: c.2052A>G, p.Gln684= (NM_007123.6).
Identifiers: ClinVar variation 48482 (VCV000048482.71), dbSNP rs111033248, ClinGen allele CA143433.
Genomic context (GRCh38, chr1:216,251,018, plus strand): 5'-TCCATCCACTGTCCCAGAGGTATTGCAGTTACAGGGACTGCAGCCATCAGGATCCAACTC[T>C]TGTAGATTGTAGAATCCATTCTGGCACTGATTGCACTGCCTGCCAGACACGTGTCTCTTA-3'
Protein context (NP_996816.3, residues 674-694): NQCQNGFYNL[Gln684=]ELDPDGCSPC